The following is an entry in ClinVar:

NM_001367805.3(KIF23):c.564-10del

Gene: KIF23 (kinesin family member 23; plus strand). Cytogenetic location: 15q23.
Variant type: Deletion.
Coding change: c.564-10del on transcript NM_001367805.3 (MANE Select); 10 bases into the intron before coding-DNA position 564, one base deleted (C; older notation c.564-10delC).
Molecular consequence: intron variant.
Genome position (GRCh38, 1-based): chr15:69,423,149, C deleted. VCF-style (leftmost placement, unchanged base first): chr15-69423148-TC-T. GRCh37 (hg19) VCF-style: chr15-69715487-TC-T.
Other names: p.?; c.564-10del (NM_138555.4, NM_001367804.2, NM_004856.7); c.234-10del (NM_001281301.2).
Identifiers: ClinVar variation 733232 (VCV000733232.12), dbSNP rs199725995, ClinGen allele CA7634954.
Genomic context (GRCh38, chr15:69,423,148, plus strand): 5'-CATGCCCGGCTGGGATCATTTACTTTTAAAATGGACTTATAACGTATACAATTGAACTTT[TC>T]TTTTTTTAGACGACAAGTAGATCCAGAGTTTGCAGATATGATAACTGTACAAGAATTCTG-3'

ClinVar aggregate classification (germline): Benign/Likely benign. Review status: criteria provided, multiple submitters, no conflicts (2 of 4 stars). 3 submissions from 3 submitters: Benign (2); Likely benign (1). Last evaluated 2026-02-04.

Allele frequency attached by ClinVar (database versions not stated): TOPMed 0.00022; gnomAD 0.00125 and 0.00136; ExAC 0.25518; 1000 Genomes Project 0.26877.

Submissions (3):

Labcorp Genetics (formerly Invitae), Labcorp
Classification: Benign. Last evaluated: 2026-02-04. Review status: criteria provided, single submitter. Criteria: Invitae Variant Classification Sherloc (09022015). Collection method: clinical testing. Allele origin: germline.

Mayo Clinic Laboratories, Mayo Clinic
Classification: Benign. Last evaluated: 2025-10-07. Review status: criteria provided, single submitter. Criteria: ACMG Guidelines, 2015. Collection method: clinical testing. Allele origin: germline. Observed: 1,291 variant alleles.
Comment: BA1

Blueprint Genetics
Classification: Likely benign. Last evaluated: 2024-11-27. Review status: criteria provided, single submitter. Criteria: ACMG Guidelines, 2015. Collection method: clinical testing. Allele origin: germline.